The following is an entry in ClinVar:

NM_130837.3(OPA1):c.364T>C (p.Trp122Arg)

Gene: OPA1 (OPA1 mitochondrial dynamin like GTPase; plus strand). Cytogenetic location: 3q29.
Variant type: single nucleotide variant.
Coding change: c.364T>C on transcript NM_130837.3 (MANE Select); coding-DNA position 364, T replaced by C.
Protein change: p.Trp122Arg; replaces tryptophan 122 with arginine.
Molecular consequence: missense variant. On other transcripts: 5 prime UTR variant (2).
Genome position (GRCh38, 1-based): chr3:193,615,686, T>C. VCF-style: chr3-193615686-T-C. GRCh37 (hg19) VCF-style: chr3-193333475-T-C.
Other names: c.364T>C, p.Trp122Arg (NM_015560.3, NM_130831.3, NM_130832.3 and 4 more transcripts); c.-9T>C (NM_001354663.2, NM_001354664.2); short protein forms W122R.
Identifiers: ClinVar variation 2580214 (VCV002580214.3), dbSNP rs111940172, ClinGen allele CA90567866.

ClinVar aggregate classification (germline): Uncertain significance. Review status: criteria provided, multiple submitters, no conflicts (2 of 4 stars). 2 submissions from 2 submitters: Uncertain significance (2). Last evaluated 2024-04-25.

Conditions:
OPA1-related optic atrophy with or without extraocular features. Identifiers: MedGen CN322459, MONDO:0800181.

Submissions (2):

Labcorp Genetics (formerly Invitae), Labcorp
Classification: Uncertain significance. Last evaluated: 2024-04-25. Review status: criteria provided, single submitter. Criteria: Invitae Variant Classification Sherloc (09022015). Collection method: clinical testing. Allele origin: germline.
Comment: This sequence change replaces tryptophan, which is neutral and slightly polar, with arginine, which is basic and polar, at codon 122 of the OPA1 protein (p.Trp122Arg). This variant is not present in population databases (gnomAD no frequency). This variant has not been reported in the literature in individuals affected with OPA1-related conditions. ClinVar contains an entry for this variant (Variation ID: 2580214). Advanced modeling of protein sequence and biophysical properties (such as structural, functional, and spatial information, amino acid conservation, physicochemical variation, residue mobility, and thermodynamic stability) performed at Invitae indicates that this missense variant is expected to disrupt OPA1 protein function with a positive predictive value of 80%. In summary, the available evidence is currently insufficient to determine the role of this variant in disease. Therefore, it has been classified as a Variant of Uncertain Significance.

Illumina Laboratory Services, Illumina
Classification: Uncertain significance for OPA1-related optic atrophy with or without extraocular features. Last evaluated: 2023-01-27. Review status: criteria provided, single submitter. Criteria: ICSLVariantClassificationCriteria RUGD 01 April 2020. Collection method: clinical testing. Allele origin: unknown.
Comment: The OPA1 c.364T>C (p.Trp122Arg) missense variant results in the substitution of tryptophan at amino acid position 122 with arginine. To our knowledge, this variant has not been reported in the peer-reviewed literature. This variant is not found in version 2.1.1 or version 3.1.2 of the Genome Aggregation Database. Multiple lines of computational evidence suggest the variant may have a deleterious effect on the gene or gene product. Based on the available evidence, the c.364T>C (p.Trp122Arg) variant is classified as a variant of uncertain significance for OPA1-related optic atrophy with or without extraocular features.